The following is an entry in ClinVar:

ClinVar aggregate classification (germline): Conflicting classifications of pathogenicity. Review status: criteria provided, conflicting classifications (1 of 4 stars). 4 submissions from 3 submitters: Uncertain significance (3); Likely benign (1). Last evaluated 2025-12-27.

Conditions:
Inborn genetic diseases. Identifiers: MedGen C0950123, MeSH D030342.
Renal tubular dysgenesis. Also called: Renotubular dysgenesis. Identifiers: Orphanet 3033, MedGen C0266313, MONDO:0017609, HP:0008660.
Familial juvenile hyperuricemic nephropathy type 2 (ADTKD4). Also called: EARLY-ONSET HYPERURICEMIA, ANEMIA, AND PROGRESSIVE KIDNEY FAILURE; Autosomal Dominant Tubulointerstitial Kidney Disease – REN. Identifiers: Orphanet 217330, MedGen C2751310, MONDO:0013128, OMIM 613092.

Allele frequency attached by ClinVar (database versions not stated): gnomAD 0.00005 and 0.00006; TOPMed 0.00009.
gnomAD v4.1: 107 of 1,613,930 alleles (0.0066%); highest among the groups gnomAD compares: Non-Finnish European, 0.0082%; no homozygotes.

Submissions (4):

Labcorp Genetics (formerly Invitae), Labcorp
Classification: Uncertain significance. Last evaluated: 2025-12-27. Review status: criteria provided, single submitter. Criteria: Invitae Variant Classification Sherloc (09022015). Collection method: clinical testing. Allele origin: germline.
Comment: This sequence change replaces aspartic acid, which is acidic and polar, with glutamic acid, which is acidic and polar, at codon 248 of the REN protein (p.Asp248Glu). This variant is present in population databases (rs747881047, gnomAD 0.007%). This variant has not been reported in the literature in individuals affected with REN-related conditions. ClinVar contains an entry for this variant (Variation ID: 294954). Invitae Evidence Modeling of protein sequence and biophysical properties (such as structural, functional, and spatial information, amino acid conservation, physicochemical variation, residue mobility, and thermodynamic stability) indicates that this missense variant is not expected to disrupt REN protein function with a negative predictive value of 80%. In summary, the available evidence is currently insufficient to determine the role of this variant in disease. Therefore, it has been classified as a Variant of Uncertain Significance.

Ambry Genetics
Classification: Uncertain significance for Inborn genetic diseases. Last evaluated: 2023-08-14. Review status: criteria provided, single submitter. Criteria: Ambry Variant Classification Scheme 2023. Collection method: clinical testing. Allele origin: germline.

Illumina Laboratory Services, Illumina
Classification: Likely benign for Familial juvenile hyperuricemic nephropathy type 2. Last evaluated: 2018-01-12. Review status: criteria provided, single submitter. Criteria: ICSL Variant Classification Criteria 13 December 2019. Collection method: clinical testing. Allele origin: germline.
Comment: This variant was observed in the ICSL laboratory as part of a predisposition screen in an ostensibly healthy population. It had not been previously curated by ICSL or reported in the Human Gene Mutation Database (HGMD: prior to June 1st, 2018), and was therefore a candidate for classification through an automated scoring system. Utilizing variant allele frequency, disease prevalence and penetrance estimates, and inheritance mode, an automated score was calculated to assess if this variant is too frequent to cause the disease. Based on the score and internal cut-off values, a variant classified as likely benign is not then subjected to further curation. The score for this variant resulted in a classification of likely benign for this disease.

Illumina Laboratory Services, Illumina
Classification: Uncertain significance for Renal tubular dysgenesis of genetic origin. Last evaluated: 2018-01-12. Review status: criteria provided, single submitter. Criteria: ICSL Variant Classification Criteria 13 December 2019. Collection method: clinical testing. Allele origin: germline.

NM_000537.4(REN):c.744C>A (p.Asp248Glu)

Gene: REN (renin; minus strand). Cytogenetic location: 1q32.1.
Variant type: single nucleotide variant.
Coding change: c.744C>A on transcript NM_000537.4 (MANE Select); coding-DNA position 744, C replaced by A.
Protein change: p.Asp248Glu; replaces aspartic acid 248 with glutamic acid.
Molecular consequence: missense variant.
Genome position (GRCh38, 1-based): chr1:204,156,751, G>T on the plus strand (C>A on the coding strand, the complement: REN is on the minus strand). VCF-style: chr1-204156751-G-T. GRCh37 (hg19) VCF-style: chr1-204125879-G-T.
Other names: short protein forms D248E.
Identifiers: ClinVar variation 294954 (VCV000294954.11), dbSNP rs747881047, ClinGen allele CA1344801.
Genomic context (GRCh38, chr1:204,156,751, plus strand): 5'-CTGCCAGACACCAGTCTTGATGAGGTTGATATAGTGGAAATTCCCTTCGTAATGCTGGGG[G>T]TCGCTGCCTCCCAGCACAATCTGTCCTCCCAGCGATTGGGAATTCCTAAAGGAAAGATCA-3'
Protein context (NP_000528.1, residues 238-258): LGGQIVLGGS[Asp248Glu]PQHYEGNFHY